The following is an entry in ClinVar:

ClinVar aggregate classification (germline): Uncertain significance (1 of 4 stars; one submission).

Conditions:
Cognitive impairment - coarse facies - heart defects - obesity - pulmonary involvement - short stature - skeletal dysplasia syndrome. Also called: COGNITIVE IMPAIRMENT, COARSE FACIES, HEART DEFECTS, OBESITY, PULMONARY INVOLVEMENT, SHORT STATURE, AND SKELETAL DYSPLASIA; Chops syndrome; AFF4-Related CHOPS Syndrome. Identifiers: Orphanet 444077, MedGen C4085597, MONDO:0014609, OMIM 616368.

Submission:

Labcorp Genetics (formerly Invitae), Labcorp
Classification: Uncertain significance for Cognitive impairment - coarse facies - heart defects - obesity - pulmonary involvement - short stature - skeletal dysplasia syndrome. Last evaluated: 2022-08-16. Review status: criteria provided, single submitter. Criteria: Invitae Variant Classification Sherloc (09022015). Collection method: clinical testing. Allele origin: germline.
Comment: In summary, the available evidence is currently insufficient to determine the role of this variant in disease. Therefore, it has been classified as a Variant of Uncertain Significance. Algorithms developed to predict the effect of missense changes on protein structure and function are either unavailable or do not agree on the potential impact of this missense change (SIFT: "Deleterious"; PolyPhen-2: "Probably Damaging"; Align-GVGD: "Class C0"). This variant has not been reported in the literature in individuals affected with AFF4-related conditions. This variant is not present in population databases (gnomAD no frequency). This sequence change replaces proline, which is neutral and non-polar, with leucine, which is neutral and non-polar, at codon 466 of the AFF4 protein (p.Pro466Leu).

NM_014423.4(AFF4):c.1397C>T (p.Pro466Leu)

Gene: AFF4 (ALF transcription elongation factor 4; minus strand). Cytogenetic location: 5q31.1.
Variant type: single nucleotide variant.
Coding change: c.1397C>T on transcript NM_014423.4 (MANE Select); coding-DNA position 1397, C replaced by T.
Protein change: p.Pro466Leu; replaces proline 466 with leucine.
Molecular consequence: missense variant.
Genome position (GRCh38, 1-based): chr5:132,897,233, G>A on the plus strand (C>T on the coding strand, the complement: AFF4 is on the minus strand). VCF-style: chr5-132897233-G-A. GRCh37 (hg19) VCF-style: chr5-132232925-G-A.
Other names: short protein forms P466L.
Identifiers: ClinVar variation 2094699 (VCV002094699.4), dbSNP rs2532477809, ClinGen allele CA360939909.